The following is an entry in ClinVar:

NM_032387.5(WNK4):c.3032C>T (p.Pro1011Leu)

Gene: WNK4 (WNK lysine deficient protein kinase 4; plus strand). Cytogenetic location: 17q21.2.
Variant type: single nucleotide variant.
Coding change: c.3032C>T on transcript NM_032387.5 (MANE Select); coding-DNA position 3032, C replaced by T.
Protein change: p.Pro1011Leu; replaces proline 1011 with leucine.
Molecular consequence: missense variant.
Genome position (GRCh38, 1-based): chr17:42,795,634, C>T. VCF-style: chr17-42795634-C-T. GRCh37 (hg19) VCF-style: chr17-40947652-C-T.
Other names: c.2024C>T, p.Pro675Leu (NM_001321299.2); short protein forms P675L, P1011L.
Identifiers: ClinVar variation 890655 (VCV000890655.6), dbSNP rs61755628, ClinGen allele CA8584514.

ClinVar aggregate classification (germline): Conflicting classifications of pathogenicity. Review status: criteria provided, conflicting classifications (1 of 4 stars). 3 submissions from 3 submitters: Uncertain significance (2); Likely benign (1). Last evaluated 2025-10-16.

Conditions:
Pseudohypoaldosteronism type 2B (PHA2B). Also called: Pseudohypoaldosteronism Type IIB. Identifiers: Orphanet 757, Orphanet 88939, MedGen C1840390, MONDO:0013777, OMIM 614491.
Inborn genetic diseases. Identifiers: MedGen C0950123, MeSH D030342.

Allele frequency attached by ClinVar (database versions not stated): TOPMed 0.00009.
gnomAD v4.1: 365 of 1,613,682 alleles (0.023%); highest among the groups gnomAD compares: Non-Finnish European, 0.03%; no homozygotes.

Submissions (3):

Women's Health and Genetics/Laboratory Corporation of America, LabCorp
Classification: Uncertain significance. Last evaluated: 2025-10-16. Review status: criteria provided, single submitter. Criteria: LabCorp Variant Classification Summary - May 2015. Collection method: clinical testing. Allele origin: germline.
Comment: Variant summary: WNK4 c.3032C>T (p.Pro1011Leu) results in a non-conservative amino acid change in the encoded protein sequence. Algorithms developed to predict the effect of missense changes on protein structure and function are either unavailable or do not agree on the potential impact of this missense change. The variant allele was found at a frequency of 0.00023 in 1606686 control chromosomes, predominantly at a frequency of 0.0003 within the Non-Finnish European subpopulation in the gnomAD database. The occurrence in numerous carriers suggests that this variant is likely not associated with a high penetrance, severe, early onset disease phenotype in heterozygous state. To our knowledge, no occurrence of c.3032C>T in individuals affected with WNK4-related conditions and no experimental evidence demonstrating its impact on protein function have been reported. ClinVar contains an entry for this variant (Variation ID: 890655). Based on the evidence outlined above, the variant was classified as VUS-possibly benign.

Ambry Genetics
Classification: Uncertain significance for Inborn genetic diseases. Last evaluated: 2025-03-08. Review status: criteria provided, single submitter. Criteria: Ambry Variant Classification Scheme 2023. Collection method: clinical testing. Allele origin: germline.

Illumina Laboratory Services, Illumina
Classification: Likely benign for Pseudohypoaldosteronism type 2B. Last evaluated: 2018-01-13. Review status: criteria provided, single submitter. Criteria: ICSL Variant Classification Criteria 13 December 2019. Collection method: clinical testing. Allele origin: germline.
Comment: This variant was observed in the ICSL laboratory as part of a predisposition screen in an ostensibly healthy population. It had not been previously curated by ICSL or reported in the Human Gene Mutation Database (HGMD: prior to June 1st, 2018), and was therefore a candidate for classification through an automated scoring system. Utilizing variant allele frequency, disease prevalence and penetrance estimates, and inheritance mode, an automated score was calculated to assess if this variant is too frequent to cause the disease. Based on the score and internal cut-off values, a variant classified as likely benign is not then subjected to further curation. The score for this variant resulted in a classification of likely benign for this disease.